The following is an entry in ClinVar:

NM_000548.5(TSC2):c.2743-9C>T

Gene: TSC2 (TSC complex subunit 2; plus strand). Cytogenetic location: 16p13.3.
Variant type: single nucleotide variant.
Coding change: c.2743-9C>T on transcript NM_000548.5 (MANE Select); 9 bases into the intron before coding-DNA position 2743, C replaced by T.
Molecular consequence: intron variant.
Genome position (GRCh38, 1-based): chr16:2,076,482, C>T. VCF-style: chr16-2076482-C-T. GRCh37 (hg19) VCF-style: chr16-2126483-C-T.
Other names: c.2743-9C>T (NM_001114382.3, NM_021055.3, NM_001370405.1 and 4 more transcripts); c.2632-9C>T (NM_001318827.2); c.2143-9C>T (NM_001318831.2); c.2596-9C>T (NM_001318829.2); c.2776-9C>T (NM_001318832.2).
Identifiers: ClinVar variation 389808 (VCV000389808.19), dbSNP rs397515319, ClinGen allele CA041719.

ClinVar aggregate classification (germline): Benign/Likely benign. Review status: criteria provided, multiple submitters, no conflicts (2 of 4 stars). 9 submissions from 9 submitters: Benign (5); Likely benign (4). Last evaluated 2025-10-11.

Conditions:
TSC2-related disorder. Also called: TSC2-related condition; TSC2-Related Disorders.
Hereditary cancer-predisposing syndrome. Also called: Neoplastic Syndromes, Hereditary; Tumor predisposition; Hereditary Cancer Syndrome; Hereditary neoplastic syndrome. Identifiers: Orphanet 140162, MedGen C0027672, MeSH D009386, MONDO:0015356.
Tuberous sclerosis syndrome (TSC). Also called: Tuberous Sclerosis Complex; Tuberous sclerosis. Identifiers: Orphanet 805, MedGen C0041341, MONDO:0001734.
Tuberous sclerosis 2 (TSC2). Identifiers: Orphanet 805, MedGen C1860707, MONDO:0013199, OMIM 613254.

Allele frequency attached by ClinVar (database versions not stated): gnomAD exomes 0.00001 and 0.00003; ExAC 0.00004; gnomAD 0.00007 and 0.00009; TOPMed 0.00008; ESP Exome Variant Server 0.00015.
gnomAD v4.1: 25 of 1,613,180 alleles (0.0015%); highest among the groups gnomAD compares: African/African-American, 0.031%; no homozygotes.

Submissions (9):

Labcorp Genetics (formerly Invitae), Labcorp
Classification: Benign for Tuberous sclerosis 2. Last evaluated: 2025-10-11. Review status: criteria provided, single submitter. Criteria: Invitae Variant Classification Sherloc (09022015). Collection method: clinical testing. Allele origin: germline.

PreventionGenetics, part of Exact Sciences
Classification: Likely benign for TSC2-related condition. Last evaluated: 2025-09-29. Review status: criteria provided, single submitter. Criteria: ACMG Guidelines, 2015. Collection method: clinical testing. Allele origin: germline.
Comment: This variant is classified as likely benign based on ACMG/AMP sequence variant interpretation guidelines (Richards et al. 2015 PMID: 25741868, with internal and published modifications).

Myriad Genetics, Inc.
Classification: Benign for Tuberous sclerosis 2. Last evaluated: 2024-09-09. Review status: criteria provided, single submitter. Criteria: Myriad Autosomal Dominant, Autosomal Recessive and X-Linked Classification Criteria (2023). Collection method: clinical testing. Allele origin: unknown.
Comment: This variant is considered benign. This variant is intronic and is not expected to impact mRNA splicing. This variant has been observed at a population frequency that is significantly greater than expected given the associated disease prevalence and penetrance.

All of Us Research Program, National Institutes of Health
Classification: Benign for Tuberous sclerosis syndrome. Last evaluated: 2023-10-30. Review status: criteria provided, single submitter. Criteria: ACMG Guidelines, 2015. Collection method: clinical testing. Allele origin: germline. Inheritance: Autosomal dominant inheritance. Observed: 3 variant alleles, 3 heterozygotes.
Comment: This study involves interpretation of variants in research participants for the purpose of population health screening. Participant phenotype was not available at the time of variant classification. Additional details can be found in publication PMID: 35346344, PMCID: PMC8962531

Color Diagnostics, LLC DBA Color Health
Classification: Benign for Tuberous sclerosis syndrome. Last evaluated: 2022-11-22. Review status: criteria provided, single submitter. Criteria: ACMG Guidelines, 2015. Collection method: clinical testing. Allele origin: germline.

Genome-Nilou Lab
Classification: Benign for Tuberous sclerosis 2. Last evaluated: 2021-11-07. Review status: criteria provided, single submitter. Criteria: ACMG Guidelines, 2015. Collection method: clinical testing. Allele origin: germline. Affected: no.

Sema4
Classification: Likely benign for Hereditary cancer-predisposing syndrome. Last evaluated: 2021-07-29. Review status: criteria provided, single submitter. Criteria: Sema4 Curation Guidelines. Collection method: curation. Allele origin: germline.

Athena Diagnostics
Classification: Likely benign. Last evaluated: 2017-09-06. Review status: criteria provided, single submitter. Criteria: Athena Diagnostics Criteria. Collection method: clinical testing. Allele origin: germline.

GeneDx
Classification: Likely benign. Last evaluated: 2016-12-05. Review status: criteria provided, single submitter. Criteria: GeneDx Variant Classification (06012015). Collection method: clinical testing. Allele origin: germline. Affected: yes.
Comment: This variant is considered likely benign or benign based on one or more of the following criteria: it is a conservative change, it occurs at a poorly conserved position in the protein, it is predicted to be benign by multiple in silico algorithms, and/or has population frequency not consistent with disease.